The following is an entry in ClinVar:

NM_001378615.1(CC2D2A):c.304G>C (p.Gly102Arg)

Genes: CC2D2A (coiled-coil and C2 domain containing 2A; plus strand), FBXL5 (F-box and leucine rich repeat protein 5; minus strand). Cytogenetic location: 4p15.32.
Variant type: single nucleotide variant.
Coding change: c.304G>C on transcript NM_001378615.1 (MANE Select); coding-DNA position 304, G replaced by C.
Protein change: p.Gly102Arg; replaces glycine 102 with arginine.
Molecular consequence: missense variant.
Genome position (GRCh38, 1-based): chr4:15,502,485, G>C. VCF-style: chr4-15502485-G-C. GRCh37 (hg19) VCF-style: chr4-15504108-G-C.
Other names: c.304G>C, p.Gly102Arg (NM_001080522.2); c.157G>C, p.Gly53Arg (NM_001378617.1); short protein forms G53R, G102R.
Identifiers: ClinVar variation 1400860 (VCV001400860.3), dbSNP rs1278804341, ClinGen allele CA356408158.

ClinVar aggregate classification (germline): Uncertain significance (1 of 4 stars; one submission).

Conditions:
Joubert syndrome. Also called: JOUBERT-BOLTSHAUSER SYNDROME; Familial aplasia of the vermis. Identifiers: Orphanet 475, MedGen C5979921, MONDO:0018772.
Meckel-Gruber syndrome. Also called: DYSENCEPHALIA SPLANCHNOCYSTICA; GRUBER SYNDROME; Dysencephalia splachnocystica. Identifiers: Orphanet 564, MedGen C0265215, MONDO:0018921.

Allele frequency attached by ClinVar (database versions not stated): gnomAD exomes below 0.00001.
gnomAD v4.1: 2 of 1,608,546 alleles (0.00012%); highest among the groups gnomAD compares: South Asian, 0.0023%; no homozygotes.

Submission:

Labcorp Genetics (formerly Invitae), Labcorp
Classification: Uncertain significance for Joubert syndrome; Meckel-Gruber syndrome. Last evaluated: 2022-09-07. Review status: criteria provided, single submitter. Criteria: Invitae Variant Classification Sherloc (09022015). Collection method: clinical testing. Allele origin: germline.
Comment: This sequence change replaces glycine, which is neutral and non-polar, with arginine, which is basic and polar, at codon 102 of the CC2D2A protein (p.Gly102Arg). This variant is present in population databases (no rsID available, gnomAD 0.003%). This variant has not been reported in the literature in individuals affected with CC2D2A-related conditions. ClinVar contains an entry for this variant (Variation ID: 1400860). Advanced modeling of protein sequence and biophysical properties (such as structural, functional, and spatial information, amino acid conservation, physicochemical variation, residue mobility, and thermodynamic stability) performed at Invitae indicates that this missense variant is not expected to disrupt CC2D2A protein function. In summary, the available evidence is currently insufficient to determine the role of this variant in disease. Therefore, it has been classified as a Variant of Uncertain Significance.